The following is an entry in ClinVar:

ClinVar aggregate classification (germline): Benign/Likely benign. Review status: criteria provided, multiple submitters, no conflicts (2 of 4 stars). 2 submissions from 2 submitters: Benign (1); Likely benign (1). Last evaluated 2025-12-19.

Allele frequency attached by ClinVar (database versions not stated): ESP Exome Variant Server 0.00015; gnomAD 0.00016 and 0.00025; TOPMed 0.00019 and 0.00028; ExAC 0.00025; gnomAD exomes 0.00037; 1000 Genomes Project 0.00040; 1000 Genomes Project 30x 0.00047.

Submissions (3):

Labcorp Genetics (formerly Invitae), Labcorp
Classification: Benign. Last evaluated: 2025-12-19. Review status: criteria provided, single submitter. Criteria: Invitae Variant Classification Sherloc (09022015). Collection method: clinical testing. Allele origin: germline.

CeGaT Center for Human Genetics Tuebingen
Classification: Likely benign. Last evaluated: 2023-03-01. Review status: criteria provided, single submitter. Criteria: CeGaT Center For Human Genetics Tuebingen Variant Classification Criteria Version 2. Collection method: clinical testing. Allele origin: germline. Affected: yes. Observed: 1 variant allele.
Comment: WDR36: BP4, BP7

Dr. Peter K. Rogan Lab, Western University
No classification provided (evidence only). Condition: Thyroid cancer, nonmedullary, 1. Review status: no classification provided. Collection method: in vitro. Allele origin: not applicable. Functional consequence: retained intron. Not counted in ClinVar's aggregate classification.

NM_139281.3(WDR36):c.1824G>A (p.Ser608=)

Gene: WDR36 (WD repeat domain 36; plus strand). Cytogenetic location: 5q22.1.
Variant type: single nucleotide variant.
Coding change: c.1824G>A on transcript NM_139281.3 (MANE Select); coding-DNA position 1824, G replaced by A.
Protein change: p.Ser608=; no amino-acid change (serine 608 retained).
Molecular consequence: synonymous variant.
Genome position (GRCh38, 1-based): chr5:111,119,040, G>A. VCF-style: chr5-111119040-G-A. GRCh37 (hg19) VCF-style: chr5-110454738-G-A.
Identifiers: ClinVar variation 2060895 (VCV002060895.29), dbSNP rs189495008, ClinGen allele CA3365885.